The following is an entry in ClinVar:

ClinVar aggregate classification (germline): Likely pathogenic (1 of 4 stars; one submission).

Submissions (2):

GeneDx
Classification: Likely pathogenic. Last evaluated: 2026-10-20. Review status: criteria provided, single submitter. Criteria: GeneDx Variant Classification Process June 2021. Collection method: clinical testing. Allele origin: germline.
Comment: Not observed at significant frequency in large population cohorts (gnomAD); In silico analysis supports a deleterious effect on splicing; Has not been previously published as pathogenic or benign to our knowledge

Dr. Peter K. Rogan Lab, Western University
No classification provided (evidence only). Condition: Nonpapillary renal cell carcinoma. Review status: no classification provided. Collection method: in vitro. Allele origin: not applicable. Functional consequence: skipped exon. Not counted in ClinVar's aggregate classification.

NM_001356.5(DDX3X):c.765G>A (p.Lys255=)

Gene: DDX3X (DEAD-box helicase 3 X-linked; plus strand). Cytogenetic location: Xp11.4.
Variant type: single nucleotide variant.
Coding change: c.765G>A on transcript NM_001356.5 (MANE Select); coding-DNA position 765, G replaced by A.
Protein change: p.Lys255=; no amino-acid change (lysine 255 retained).
Molecular consequence: synonymous variant. On other transcripts: non-coding transcript variant (1).
Genome position (GRCh38, 1-based): chrX:41,343,822, G>A. VCF-style: chrX-41343822-G-A. GRCh37 (hg19) VCF-style: chrX-41203075-G-A.
Other names: NC_000023.10:g.41203075G>A; c.765G>A, p.Lys255= (NM_001193416.3); c.717G>A, p.Lys239= (NM_001193417.3); c.207G>A, p.Lys69= (NM_001363819.1).
Identifiers: ClinVar variation 2575859 (VCV002575859.4), dbSNP rs2519513487, ClinGen allele CA515970126.